The following is an entry in ClinVar:

NM_000138.5(FBN1):c.1592T>G (p.Ile531Ser)

Gene: FBN1 (fibrillin 1; minus strand). Cytogenetic location: 15q21.1.
Variant type: single nucleotide variant.
Coding change: c.1592T>G on transcript NM_000138.5 (MANE Select); coding-DNA position 1592, T replaced by G.
Protein change: p.Ile531Ser; replaces isoleucine 531 with serine.
Molecular consequence: missense variant.
Genome position (GRCh38, 1-based): chr15:48,510,166, A>C on the plus strand (T>G on the coding strand, the complement: FBN1 is on the minus strand). VCF-style: chr15-48510166-A-C. GRCh37 (hg19) VCF-style: chr15-48802363-A-C.
Other names: c.1592T>G, p.Ile531Ser (NM_001406716.1); short protein forms I531S.
Identifiers: ClinVar variation 3072236 (VCV003072236.1), dbSNP rs2505606404, ClinGen allele CA392341396.

ClinVar aggregate classification (germline): Uncertain significance (1 of 4 stars; one submission).

Conditions:
Marfan syndrome (MFS). Also called: MARFAN SYNDROME, TYPE I; Marfan syndrome type 1; Marfan's syndrome; Marfan syndrome, classic; FBN1-Related Marfan Syndrome. Identifiers: Orphanet 284963, Orphanet 558, MedGen C0024796, MONDO:0007947, OMIM 154700.

Submission:

All of Us Research Program, National Institutes of Health
Classification: Uncertain significance for Marfan syndrome. Last evaluated: 2023-06-26. Review status: criteria provided, single submitter. Criteria: ACMG Guidelines, 2015. Collection method: clinical testing. Allele origin: germline. Inheritance: Autosomal dominant inheritance. Observed: 1 variant allele, 1 heterozygote.
Comment: This missense variant replaces isoleucine with serine at codon 531 of the FBN1 protein. Computational prediction suggests that this variant may have deleterious impact on protein structure and function (internally defined REVEL score threshold >= 0.7, PMID: 27666373). To our knowledge, functional studies have not been reported for this variant. This variant has not been reported in individuals affected with FBN1-related disorders in the literature. This variant has not been identified in the general population by the Genome Aggregation Database (gnomAD). The available evidence is insufficient to determine the role of this variant in disease conclusively. Therefore, this variant is classified as a Variant of Uncertain Significance.

This study involves interpretation of variants in research participants for the purpose of population health screening. Participant phenotype was not available at the time of variant classification. Additional details can be found in publication PMID: 35346344, PMCID: PMC8962531